The following is an entry in ClinVar:

NM_001378452.1(ITPR1):c.3590G>C (p.Cys1197Ser)

Gene: ITPR1 (inositol 1,4,5-trisphosphate receptor type 1; plus strand). Cytogenetic location: 3p26.1.
Variant type: single nucleotide variant.
Coding change: c.3590G>C on transcript NM_001378452.1 (MANE Select); coding-DNA position 3590, G replaced by C.
Protein change: p.Cys1197Ser; replaces cysteine 1197 with serine.
Molecular consequence: missense variant.
Genome position (GRCh38, 1-based): chr3:4,685,094, G>C. VCF-style: chr3-4685094-G-C. GRCh37 (hg19) VCF-style: chr3-4726778-G-C.
Other names: c.3563G>C, p.Cys1188Ser (NM_001099952.4); c.3545G>C, p.Cys1182Ser (NM_001168272.2); c.3518G>C, p.Cys1173Ser (NM_002222.7); short protein forms C1182S, C1173S, C1188S, C1197S.
Identifiers: ClinVar variation 2065352 (VCV002065352.4), dbSNP rs755853374, ClinGen allele CA2231750.
Genomic context (GRCh38, chr3:4,685,094, plus strand): 5'-TAGTTTTCTGAGACTGATTTCTTTCATTCTACTAGATTTTGATTCGGCTTAGCAAACTCT[G>C]TGTTCAAGAGAGTGCCTCAGTGAGAAAGAGCAGGAAGCAGCAACAGCGTCTGCTCCGGAA-3'
Protein context (NP_001365381.1, residues 1187-1207): KEILIRLSKL[Cys1197Ser]VQESASVRKS

ClinVar aggregate classification (germline): Uncertain significance (1 of 4 stars; one submission).

Allele frequency attached by ClinVar (database versions not stated): ExAC 0.00001; gnomAD 0.00002; TOPMed 0.00002.
gnomAD v4.1: 5 of 1,610,812 alleles (0.00031%); highest among the groups gnomAD compares: African/African-American, 0.0067%; no homozygotes.

Submission:

Labcorp Genetics (formerly Invitae), Labcorp
Classification: Uncertain significance. Last evaluated: 2021-12-29. Review status: criteria provided, single submitter. Criteria: Invitae Variant Classification Sherloc (09022015). Collection method: clinical testing. Allele origin: germline.
Comment: This variant is present in population databases (rs755853374, gnomAD 0.009%). This sequence change replaces cysteine, which is neutral and slightly polar, with serine, which is neutral and polar, at codon 1173 of the ITPR1 protein (p.Cys1173Ser). This variant has not been reported in the literature in individuals affected with ITPR1-related conditions. In summary, the available evidence is currently insufficient to determine the role of this variant in disease. Therefore, it has been classified as a Variant of Uncertain Significance. Algorithms developed to predict the effect of missense changes on protein structure and function are either unavailable or do not agree on the potential impact of this missense change (SIFT: "Deleterious"; PolyPhen-2: "Benign"; Align-GVGD: "Class C0").